The following is an entry in ClinVar:

ClinVar aggregate classification (germline): Uncertain significance. Review status: criteria provided, multiple submitters, no conflicts (2 of 4 stars). 2 submissions from 2 submitters: Uncertain significance (2). Last evaluated 2026-01-12.

Conditions:
Developmental and epileptic encephalopathy 94 (DEE94). Also called: CHD2-Related Neurodevelopmental Disorders; Epileptic encephalopathy, childhood-onset. Identifiers: Orphanet 1942, Orphanet 2382, MedGen C3809278, MONDO:0014150, OMIM 615369.

gnomAD v4.1: 1 of 1,614,130 alleles (0.000062%); highest among the groups gnomAD compares: East Asian, 0.0022%; no homozygotes.

Submissions (2):

Labcorp Genetics (formerly Invitae), Labcorp
Classification: Uncertain significance for Developmental and epileptic encephalopathy 94. Last evaluated: 2026-01-12. Review status: criteria provided, single submitter. Criteria: Invitae Variant Classification Sherloc (09022015). Collection method: clinical testing. Allele origin: germline.
Comment: This sequence change replaces tyrosine, which is neutral and polar, with cysteine, which is neutral and slightly polar, at codon 1520 of the CHD2 protein (p.Tyr1520Cys). This variant is not present in population databases (gnomAD no frequency). This variant has not been reported in the literature in individuals affected with CHD2-related conditions. Invitae Evidence Modeling of protein sequence and biophysical properties (such as structural, functional, and spatial information, amino acid conservation, physicochemical variation, residue mobility, and thermodynamic stability) has been performed for this missense variant. However, the output from this modeling did not meet the statistical confidence thresholds required to predict the impact of this variant on CHD2 protein function. In summary, the available evidence is currently insufficient to determine the role of this variant in disease. Therefore, it has been classified as a Variant of Uncertain Significance.

GeneDx
Classification: Uncertain significance. Last evaluated: 2025-07-02. Review status: criteria provided, single submitter. Criteria: GeneDx Variant Classification Process June 2021. Collection method: clinical testing. Allele origin: germline. Affected: yes.
Comment: Not observed at significant frequency in large population cohorts (gnomAD); In silico analysis supports that this missense variant has a deleterious effect on protein structure/function; Has not been previously published as pathogenic or benign to our knowledge

NM_001271.4(CHD2):c.4559A>G (p.Tyr1520Cys)

Gene: CHD2 (chromodomain helicase DNA binding protein 2; plus strand). Cytogenetic location: 15q26.1.
Variant type: single nucleotide variant.
Coding change: c.4559A>G on transcript NM_001271.4 (MANE Select); coding-DNA position 4559, A replaced by G.
Protein change: p.Tyr1520Cys; replaces tyrosine 1520 with cysteine.
Molecular consequence: missense variant.
Genome position (GRCh38, 1-based): chr15:93,009,290, A>G. VCF-style: chr15-93009290-A-G. GRCh37 (hg19) VCF-style: chr15-93552520-A-G.
Other names: short protein forms Y1520C.
Identifiers: ClinVar variation 4680986 (VCV004680986.2).